The following is an entry in ClinVar:

NM_000019.4(ACAT1):c.941-1del

Gene: ACAT1 (acetyl-CoA acetyltransferase 1; plus strand). Cytogenetic location: 11q22.3.
Variant type: Deletion.
Coding change: c.941-1del on transcript NM_000019.4 (MANE Select); the canonical splice acceptor site of the intron before coding-DNA position 941, one base deleted (G; older notation c.941-1delG).
Molecular consequence: splice acceptor variant.
Genome position (GRCh38, 1-based): chr11:108,143,982, G deleted. VCF-style (leftmost placement, unchanged base first): chr11-108143981-AG-A. GRCh37 (hg19) VCF-style: chr11-108014708-AG-A.
Other names: c.671-1del (NM_001386682.1, NM_001386681.1, NM_001386685.1 and 6 more transcripts); c.941-1del (NM_001386677.1); c.644-1del (NM_001386679.1); c.626-1del (NM_001386678.1).
Identifiers: ClinVar variation 5004684 (VCV005004684.1).

ClinVar aggregate classification (germline): Likely pathogenic (1 of 4 stars; one submission).

Conditions:
Deficiency of acetyl-CoA acetyltransferase. Also called: 3-KETOTHIOLASE DEFICIENCY; 3-OXOTHIOLASE DEFICIENCY; MITOCHONDRIAL ACETOACETYL-CoA THIOLASE DEFICIENCY; Beta-ketothiolase deficiency. Identifiers: Orphanet 134, MedGen C1536500, MONDO:0008760, OMIM 203750. Disease mechanism: loss of function.

Submission:

Myriad Genetics, Inc.
Classification: Likely pathogenic for Deficiency of acetyl-CoA acetyltransferase. Last evaluated: 2026-05-18. Review status: criteria provided, single submitter. Criteria: Myriad Autosomal Dominant, Autosomal Recessive and X-Linked Classification Criteria (2023). Collection method: clinical testing. Allele origin: unknown.
Comment: NM_000019.3(ACAT1):c.941-1delG is a variant in a canonical splice site classified as likely pathogenic in the context of beta-ketothiolase deficiency. c.941-1delG has not been observed in cases with relevant disease. Relevant functional assessments of this variant are not available in the literature. c.941-1delG has not been observed in referenced population frequency databases. In summary, NM_000019.3(ACAT1):c.941-1delG is a variant in a canonical splice site in a gene where loss of function is a known mechanism of disease and is predicted to disrupt protein function. Please note: this variant was assessed in the context of healthy population screening.